The following is an entry in ClinVar:

ClinVar aggregate classification (germline): Uncertain significance. Review status: criteria provided, multiple submitters, no conflicts (2 of 4 stars). 2 submissions from 2 submitters: Uncertain significance (2). Last evaluated 2024-08-20.

Conditions:
Inborn genetic diseases. Identifiers: MedGen C0950123, MeSH D030342.

gnomAD v4.1: 25 of 1,614,142 alleles (0.0015%); highest among the groups gnomAD compares: South Asian, 0.019%; 1 homozygote.

Submissions (2):

Ambry Genetics
Classification: Uncertain significance for Inborn genetic diseases. Last evaluated: 2024-08-20. Review status: criteria provided, single submitter. Criteria: Ambry Variant Classification Scheme 2023. Collection method: clinical testing. Allele origin: germline.

Labcorp Genetics (formerly Invitae), Labcorp
Classification: Uncertain significance. Last evaluated: 2022-04-26. Review status: criteria provided, single submitter. Criteria: Invitae Variant Classification Sherloc (09022015). Collection method: clinical testing. Allele origin: germline.
Comment: Algorithms developed to predict the effect of sequence changes on RNA splicing suggest that this variant may create or strengthen a splice site. Algorithms developed to predict the effect of missense changes on protein structure and function (SIFT, PolyPhen-2, Align-GVGD) all suggest that this variant is likely to be tolerated. In summary, the available evidence is currently insufficient to determine the role of this variant in disease. Therefore, it has been classified as a Variant of Uncertain Significance. This variant has not been reported in the literature in individuals affected with CSGALNACT1-related conditions. This variant is present in population databases (rs758278533, gnomAD 0.02%). This sequence change replaces aspartic acid, which is acidic and polar, with glutamic acid, which is acidic and polar, at codon 39 of the CSGALNACT1 protein (p.Asp39Glu).

NM_001354483.2(CSGALNACT1):c.117C>G (p.Asp39Glu)

Gene: CSGALNACT1 (chondroitin sulfate N-acetylgalactosaminyltransferase 1; minus strand). Cytogenetic location: 8p21.3.
Variant type: single nucleotide variant.
Coding change: c.117C>G on transcript NM_001354483.2 (MANE Select); coding-DNA position 117, C replaced by G.
Protein change: p.Asp39Glu; replaces aspartic acid 39 with glutamic acid.
Molecular consequence: missense variant. On other transcripts: non-coding transcript variant (7).
Genome position (GRCh38, 1-based): chr8:19,505,718, G>C on the plus strand (C>G on the coding strand, the complement: CSGALNACT1 is on the minus strand). VCF-style: chr8-19505718-G-C. GRCh37 (hg19) VCF-style: chr8-19363229-G-C.
Other names: c.117C>G, p.Asp39Glu (NM_001130518.2, NM_001354475.2, NM_001354476.2 and 18 more transcripts); c.117C>G (NM_001130518.1); short protein forms D39E.
Identifiers: ClinVar variation 1348395 (VCV001348395.7), dbSNP rs758278533, ClinGen allele CA4654357.